The following is an entry in ClinVar:

ClinVar aggregate classification (germline): Uncertain significance (1 of 4 stars; one submission).

Submission:

Labcorp Genetics (formerly Invitae), Labcorp
Classification: Uncertain significance. Last evaluated: 2022-08-09. Review status: criteria provided, single submitter. Criteria: Invitae Variant Classification Sherloc (09022015). Collection method: clinical testing. Allele origin: germline.
Comment: This variant has not been reported in the literature in individuals affected with SLC30A10-related conditions. Algorithms developed to predict the effect of missense changes on protein structure and function are either unavailable or do not agree on the potential impact of this missense change (SIFT: "Not Available"; PolyPhen-2: "Benign"; Align-GVGD: "Not Available"). In summary, the available evidence is currently insufficient to determine the role of this variant in disease. Therefore, it has been classified as a Variant of Uncertain Significance. This sequence change replaces glycine, which is neutral and non-polar, with valine, which is neutral and non-polar, at codon 444 of the SLC30A10 protein (p.Gly444Val). This variant is present in population databases (no rsID available, gnomAD 0.2%).

NM_018713.3(SLC30A10):c.1331_1332delinsTT (p.Gly444Val)

Gene: SLC30A10 (solute carrier family 30 member 10; minus strand). Cytogenetic location: 1q41.
Variant type: Indel.
Coding change: c.1331_1332delinsTT on transcript NM_018713.3 (MANE Select); coding-DNA positions 1331 to 1332, GC replaced by TT.
Protein change: p.Gly444Val; replaces glycine 444 with valine.
Molecular consequence: missense variant. On other transcripts: non-coding transcript variant (2).
Genome position (GRCh38, 1-based): chr1:219,915,575-219,915,576, GC replaced by AA on the plus strand (GC replaced by TT on the coding strand, the reverse complement: SLC30A10 is on the minus strand). VCF-style: chr1-219915575-GC-AA. GRCh37 (hg19) VCF-style: chr1-220088917-GC-AA.
Other names: c.1142_1143delinsTT, p.Gly381Val (NM_001376929.1); c.656_657delGCinsTT, p.Gly219Val (NM_001416004.1, NM_001416005.1); short protein forms G219V, G444V, G381V.
Identifiers: ClinVar variation 1901053 (VCV001901053.5), dbSNP rs2527852170, ClinGen allele CA2580062179.
Genomic context (GRCh38, chr1:219,915,575, plus strand): 5'-ACTCAGACAGCTATCCAAAGACACTTCAATAGCCACTTCTCTTGCGTCTCTTCTACTGAG[GC>AA]CATCACTTCCGTATGTGTCTAGAGAGGGCCCACCATTGTGCTCAGCACAGCCATTGACGT-3'
Protein context (NP_061183.2, residues 434-454): GPSLDTYGSD[Gly444Val]LSRRDAREVA